The following is an entry in ClinVar:

NM_001349253.2(SCN11A):c.386+6C>T

Gene: SCN11A (sodium voltage-gated channel alpha subunit 11; minus strand). Cytogenetic location: 3p22.2.
Variant type: single nucleotide variant.
Coding change: c.386+6C>T on transcript NM_001349253.2 (MANE Select); 6 bases into the intron after coding-DNA position 386, C replaced by T.
Molecular consequence: intron variant.
Genome position (GRCh38, 1-based): chr3:38,946,783, G>A on the plus strand (C>T on the coding strand, the complement: SCN11A is on the minus strand). VCF-style: chr3-38946783-G-A. GRCh37 (hg19) VCF-style: chr3-38988274-G-A.
Other names: c.386+6C>T (NM_014139.3).
Identifiers: ClinVar variation 952671 (VCV000952671.6), dbSNP rs2066523249, ClinGen allele CA1139657996.

ClinVar aggregate classification (germline): Uncertain significance (1 of 4 stars; one submission).

Conditions:
Familial episodic pain syndrome with predominantly lower limb involvement. Also called: Episodic pain syndrome, familial, 3. Identifiers: Orphanet 391384, Orphanet 391392, MedGen C3809899, MONDO:0014247, OMIM 615552.
Hereditary sensory and autonomic neuropathy type 7. Also called: HSAN VII; Neuropathy, hereditary sensory and autonomic, type VII. Identifiers: Orphanet 391397, MedGen C3809882, MONDO:0014244, OMIM 615548.

Submission:

Labcorp Genetics (formerly Invitae), Labcorp
Classification: Uncertain significance for Familial episodic pain syndrome with predominantly lower limb involvement; Hereditary sensory and autonomic neuropathy type 7. Last evaluated: 2019-06-13. Review status: criteria provided, single submitter. Criteria: Invitae Variant Classification Sherloc (09022015). Collection method: clinical testing. Allele origin: germline.
Comment: This sequence change falls in intron 2 of the SCN11A gene. It does not directly change the encoded amino acid sequence of the SCN11A protein, but it affects a nucleotide within the consensus splice site of the intron. In summary, the available evidence is currently insufficient to determine the role of this variant in disease. Therefore, it has been classified as a Variant of Uncertain Significance. Nucleotide substitutions within the consensus splice site are a relatively common cause of aberrant splicing (PMID: 17576681, 9536098). Algorithms developed to predict the effect of sequence changes on RNA splicing suggest that this variant is not likely to affect RNA splicing, but this prediction has not been confirmed by published transcriptional studies. This variant has not been reported in the literature in individuals with SCN11A-related conditions. This variant is not present in population databases (ExAC no frequency).

Literature cited by the submitters: PubMed 17576681; PubMed 9536098.